The following is an entry in ClinVar:

NM_001377.3(DYNC2H1):c.8960A>C (p.Glu2987Ala)

Gene: DYNC2H1 (dynein cytoplasmic 2 heavy chain 1; plus strand). Cytogenetic location: 11q22.3.
Variant type: single nucleotide variant.
Coding change: c.8960A>C on transcript NM_001377.3 (MANE Select); coding-DNA position 8960, A replaced by C.
Protein change: p.Glu2987Ala; replaces glutamic acid 2987 with alanine.
Molecular consequence: missense variant.
Genome position (GRCh38, 1-based): chr11:103,220,636, A>C. VCF-style: chr11-103220636-A-C. GRCh37 (hg19) VCF-style: chr11-103091365-A-C.
Other names: c.8960A>C (NM_001080463.1); c.8960A>C, p.Glu2987Ala (NM_001080463.2); short protein forms E2987A.
Identifiers: ClinVar variation 281766 (VCV000281766.7), dbSNP rs371429514, ClinGen allele CA6254579.
Genomic context (GRCh38, chr11:103,220,636, plus strand): 5'-AAAGAAATATATAATTTGAAGATAAAAATGGCCTTTTTCTCTTTTAGCCTTTAGTCAATG[A>C]AGCTAAACTAGCAGTTGGAAACATTAAGCCCGAATCACTTTCAGAAATTCGCTCACTACG-3'
Protein context (NP_001368.2, residues 2977-2997): ELKEVQPLVN[Glu2987Ala]AKLAVGNIKP

ClinVar aggregate classification (germline): Uncertain significance. Review status: criteria provided, single submitter (1 of 4 stars). 2 submissions from 2 submitters: Uncertain significance (1). 1 of the submissions does not count toward it. Last evaluated 2015-07-28.

Conditions:
DYNC2H1-related disorder. Also called: DYNC2H1-related condition; DYNC2H1-related disorders. Identifiers: MedGen CN378770.

Allele frequency attached by ClinVar (database versions not stated): gnomAD exomes below 0.00001 and 0.00001; ExAC 0.00002; TOPMed 0.00003; 1000 Genomes Project 0.00020; gnomAD 0.00004; ESP Exome Variant Server 0.00008; 1000 Genomes Project 30x 0.00016.
gnomAD v4.1: 7 of 1,606,492 alleles (0.00044%); highest among the groups gnomAD compares: African/African-American, 0.0093%; no homozygotes.

Submissions (2):

Eurofins Ntd Llc (ga)
Classification: Uncertain significance. Last evaluated: 2015-07-28. Review status: criteria provided, single submitter. Criteria: EGL Classification Definitions 2015. Collection method: clinical testing. Allele origin: germline. Observed: 1 variant allele, 1 heterozygote.

PreventionGenetics, part of Exact Sciences
Classification: Uncertain significance for DYNC2H1-related condition. Last evaluated: 2023-10-20. Review status: no assertion criteria provided. Collection method: clinical testing. Allele origin: germline. Not counted in ClinVar's aggregate classification.
Comment: The DYNC2H1 c.8960A>C variant is predicted to result in the amino acid substitution p.Glu2987Ala. To our knowledge, this variant has not been reported in the literature. This variant is reported in 0.012% of alleles in individuals of African descent in gnomAD. At this time, the clinical significance of this variant is uncertain due to the absence of conclusive functional and genetic evidence.